The following is an entry in ClinVar:

NM_002834.5(PTPN11):c.*3006G>A

Gene: PTPN11 (protein tyrosine phosphatase non-receptor type 11; plus strand). Cytogenetic location: 12q24.13.
Variant type: single nucleotide variant.
Coding change: c.*3006G>A on transcript NM_002834.5 (MANE Select); 3006 bases downstream of the stop codon, G replaced by A.
Molecular consequence: 3 prime UTR variant.
Genome position (GRCh38, 1-based): chr12:112,508,798, G>A. VCF-style: chr12-112508798-G-A. GRCh37 (hg19) VCF-style: chr12-112946602-G-A.
Other names: c.*3006G>A (NM_001330437.2, NM_001374625.1).
Identifiers: ClinVar variation 307258 (VCV000307258.6), dbSNP rs141870860, ClinGen allele CA10640268.

ClinVar aggregate classification (germline): Benign/Likely benign. Review status: criteria provided, multiple submitters, no conflicts (2 of 4 stars). 4 submissions from 2 submitters: Benign (2); Likely benign (2). Last evaluated 2018-01-12.

Conditions:
Metachondromatosis (METCDS). Identifiers: Orphanet 2499, MedGen C0410530, MONDO:0007979, OMIM 156250.
LEOPARD syndrome 1 (LPRD1). Also called: LENTIGINOSIS, CARDIOMYOPATHIC; MULTIPLE LENTIGINES SYNDROME; PTPN11-Related LEOPARD Syndrome. Identifiers: Orphanet 500, MedGen C4551484, MONDO:0100082, OMIM 151100.
Noonan syndrome 1 (NS1). Also called: TURNER PHENOTYPE WITH NORMAL KARYOTYPE; PTPN11-Related Noonan Syndrome; FEMALE PSEUDO-TURNER SYNDROME. Identifiers: Orphanet 648, MedGen C4551602, MONDO:0008104, OMIM 163950. Disease mechanism: gain of function.

Allele frequency attached by ClinVar (database versions not stated): 1000 Genomes Project 30x 0.00375; 1000 Genomes Project 0.00399; gnomAD 0.00645 and 0.00646; TOPMed 0.00659.

Submissions (4):

Illumina Laboratory Services, Illumina
Classification: Benign for Metachondromatosis. Last evaluated: 2018-01-12. Review status: criteria provided, single submitter. Criteria: ICSL Variant Classification Criteria 13 December 2019. Collection method: clinical testing. Allele origin: germline.
Comment: This variant was observed in the ICSL laboratory as part of a predisposition screen in an ostensibly healthy population. It had not been previously curated by ICSL or reported in the Human Gene Mutation Database (HGMD: prior to June 1st, 2018), and was therefore a candidate for classification through an automated scoring system. Utilizing variant allele frequency, disease prevalence and penetrance estimates, and inheritance mode, an automated score was calculated to assess if this variant is too frequent to cause the disease. Based on the score and internal cut-off values, a variant classified as benign is not then subjected to further curation. The score for this variant resulted in a classification of benign for this disease.

Illumina Laboratory Services, Illumina
Classification: Likely benign for Noonan syndrome 1. Last evaluated: 2018-01-12. Review status: criteria provided, single submitter. Criteria: ICSL Variant Classification Criteria 13 December 2019. Collection method: clinical testing. Allele origin: germline.
Comment: This variant was observed in the ICSL laboratory as part of a predisposition screen in an ostensibly healthy population. It had not been previously curated by ICSL or reported in the Human Gene Mutation Database (HGMD: prior to June 1st, 2018), and was therefore a candidate for classification through an automated scoring system. Utilizing variant allele frequency, disease prevalence and penetrance estimates, and inheritance mode, an automated score was calculated to assess if this variant is too frequent to cause the disease. Based on the score and internal cut-off values, a variant classified as likely benign is not then subjected to further curation. The score for this variant resulted in a classification of likely benign for this disease.

Illumina Laboratory Services, Illumina
Classification: Benign for LEOPARD syndrome 1. Last evaluated: 2018-01-12. Review status: criteria provided, single submitter. Criteria: ICSL Variant Classification Criteria 13 December 2019. Collection method: clinical testing. Allele origin: germline.
Comment: the same text as in the submission from Illumina Laboratory Services, Illumina above.

Breakthrough Genomics
Classification: Likely benign. Review status: criteria provided, single submitter. Criteria: ACMG Guidelines, 2015. Collection method: not provided. Allele origin: germline. Inheritance: Autosomal dominant inheritance. Affected: yes.